The following is an entry in ClinVar:

ClinVar aggregate classification (germline): Uncertain significance (1 of 4 stars; one submission).

Submission:

GeneDx
Classification: Uncertain significance. Last evaluated: 2024-12-15. Review status: criteria provided, single submitter. Criteria: GeneDx Variant Classification Process June 2021. Collection method: clinical testing. Allele origin: germline. Affected: yes.
Comment: Not observed at significant frequency in large population cohorts (gnomAD); In silico analysis supports that this missense variant has a deleterious effect on protein structure/function; Has not been previously published as pathogenic or benign to our knowledge

NM_000810.4(GABRA5):c.662G>C (p.Arg221Thr)

Gene: GABRA5 (gamma-aminobutyric acid type A receptor subunit alpha5; plus strand). Cytogenetic location: 15q12.
Variant type: single nucleotide variant.
Coding change: c.662G>C on transcript NM_000810.4 (MANE Select); coding-DNA position 662, G replaced by C.
Protein change: p.Arg221Thr; replaces arginine 221 with threonine.
Molecular consequence: missense variant.
Genome position (GRCh38, 1-based): chr15:26,937,266, G>C. VCF-style: chr15-26937266-G-C. GRCh37 (hg19) VCF-style: chr15-27182413-G-C.
Other names: c.662G>C, p.Arg221Thr (NM_001165037.2); short protein forms R221T.
Identifiers: ClinVar variation 3902903 (VCV003902903.1).